The following is an entry in ClinVar:

NM_198525.3(KIF7):c.2143A>G (p.Ile715Val)

Gene: KIF7 (kinesin family member 7; minus strand). Cytogenetic location: 15q26.1.
Variant type: single nucleotide variant.
Coding change: c.2143A>G on transcript NM_198525.3 (MANE Select); coding-DNA position 2143, A replaced by G.
Protein change: p.Ile715Val; replaces isoleucine 715 with valine.
Molecular consequence: missense variant.
Genome position (GRCh38, 1-based): chr15:89,645,061, T>C on the plus strand (A>G on the coding strand, the complement: KIF7 is on the minus strand). VCF-style: chr15-89645061-T-C. GRCh37 (hg19) VCF-style: chr15-90188292-T-C.
Other names: c.2143A>G (NM_198525.2); short protein forms I715V.
Identifiers: ClinVar variation 1055718 (VCV001055718.8), dbSNP rs774683334, ClinGen allele CA7728318.

ClinVar aggregate classification (germline): Uncertain significance. Review status: criteria provided, multiple submitters, no conflicts (2 of 4 stars). 4 submissions from 4 submitters: Uncertain significance (4). Last evaluated 2025-03-10.

Conditions:
Inborn genetic diseases. Identifiers: MedGen C0950123, MeSH D030342.
Hydrolethalus syndrome 2 (HLS2). Identifiers: Orphanet 2189, MedGen C3279899, MONDO:0013585, OMIM 614120.
Acrocallosal syndrome (ACLS). Also called: HALLUX DUPLICATION, POSTAXIAL POLYDACTYLY, AND ABSENCE OF CORPUS CALLOSUM; Schinzel syndrome 1; Absence of corpus callosum with unusual facial appearance, mental deficiency, duplication of the halluces and polydactyly. Identifiers: Orphanet 36, MedGen C0796147, MONDO:0008708, OMIM 200990.
Multiple epiphyseal dysplasia, Al-Gazali type. Also called: Macrocephaly with multiple epiphyseal dysplasia and distinctive facies. Identifiers: Orphanet 166024, MedGen C1846722, MONDO:0011778, OMIM 607131.

Allele frequency attached by ClinVar (database versions not stated): gnomAD exomes 0.00002 and 0.00005; ExAC 0.00004; TOPMed 0.00008; gnomAD 0.00012 and 0.00013.
gnomAD v4.1: 55 of 1,606,656 alleles (0.0034%); highest among the groups gnomAD compares: Admixed American, 0.033%; no homozygotes.

Submissions (4):

Ambry Genetics
Classification: Uncertain significance for Inborn genetic diseases. Last evaluated: 2025-03-10. Review status: criteria provided, single submitter. Criteria: Ambry Variant Classification Scheme 2023. Collection method: clinical testing. Allele origin: germline.

Blueprint Genetics
Classification: Uncertain significance. Last evaluated: 2024-10-15. Review status: criteria provided, single submitter. Criteria: ACMG Guidelines, 2015. Collection method: clinical testing. Allele origin: germline.

Fulgent Genetics
Classification: Uncertain significance for Acrocallosal syndrome; Multiple epiphyseal dysplasia, Al-Gazali type; Hydrolethalus syndrome 2. Last evaluated: 2024-02-03. Review status: criteria provided, single submitter. Criteria: ACMG Guidelines, 2015. Collection method: clinical testing. Allele origin: germline.

Labcorp Genetics (formerly Invitae), Labcorp
Classification: Uncertain significance for Acrocallosal syndrome. Last evaluated: 2022-11-01. Review status: criteria provided, single submitter. Criteria: Invitae Variant Classification Sherloc (09022015). Collection method: clinical testing. Allele origin: germline.
Comment: This sequence change replaces isoleucine, which is neutral and non-polar, with valine, which is neutral and non-polar, at codon 715 of the KIF7 protein (p.Ile715Val). This variant is present in population databases (rs774683334, gnomAD 0.009%). This variant has not been reported in the literature in individuals affected with KIF7-related conditions. ClinVar contains an entry for this variant (Variation ID: 1055718). Advanced modeling of protein sequence and biophysical properties (such as structural, functional, and spatial information, amino acid conservation, physicochemical variation, residue mobility, and thermodynamic stability) performed at Invitae indicates that this missense variant is not expected to disrupt KIF7 protein function. In summary, the available evidence is currently insufficient to determine the role of this variant in disease. Therefore, it has been classified as a Variant of Uncertain Significance.